The following is an entry in ClinVar:

ClinVar aggregate classification (germline): Uncertain significance (1 of 4 stars; one submission).

Conditions:
Desmin-related myofibrillar myopathy (MFM1). Also called: Desminopathy; Desmin related myopathy (former name); Desmin storage myopathy (former name); MYOFIBRILLAR MYOPATHY WITH ARRHYTHMOGENIC RIGHT VENTRICULAR CARDIOMYOPATHY; DESMIN-RELATED MYOPATHY WITH ARRHYTHMOGENIC RIGHT VENTRICULAR CARDIOMYOPATHY; Myofibrillar myopathy 1. Identifiers: Orphanet 363543, Orphanet 98909, MedGen C1832370, MONDO:0011076, OMIM 601419.

Allele frequency attached by ClinVar (database versions not stated): gnomAD exomes below 0.00001; TOPMed below 0.00001.
gnomAD v4.1: 1 of 1,603,900 alleles (0.000062%); highest among the groups gnomAD compares: Non-Finnish European, 0.000085%; no homozygotes.

Submission:

Labcorp Genetics (formerly Invitae), Labcorp
Classification: Uncertain significance for Desmin-related myofibrillar myopathy. Last evaluated: 2023-04-09. Review status: criteria provided, single submitter. Criteria: Invitae Variant Classification Sherloc (09022015). Collection method: clinical testing. Allele origin: germline.
Comment: In summary, the available evidence is currently insufficient to determine the role of this variant in disease. Therefore, it has been classified as a Variant of Uncertain Significance. Advanced modeling of protein sequence and biophysical properties (such as structural, functional, and spatial information, amino acid conservation, physicochemical variation, residue mobility, and thermodynamic stability) has been performed at Invitae for this missense variant, however the output from this modeling did not meet the statistical confidence thresholds required to predict the impact of this variant on DES protein function. ClinVar contains an entry for this variant (Variation ID: 2073688). This missense change has been observed in individual(s) with sudden unexplained death (PMID: 29247119). This variant is not present in population databases (gnomAD no frequency). This sequence change replaces proline, which is neutral and non-polar, with serine, which is neutral and polar, at codon 36 of the DES protein (p.Pro36Ser).

Literature cited by the submitters: PubMed 29247119.

NM_001927.4(DES):c.106C>T (p.Pro36Ser)

Gene: DES (desmin; plus strand). Cytogenetic location: 2q35.
Variant type: single nucleotide variant.
Coding change: c.106C>T on transcript NM_001927.4 (MANE Select); coding-DNA position 106, C replaced by T.
Protein change: p.Pro36Ser; replaces proline 36 with serine.
Molecular consequence: missense variant.
Genome position (GRCh38, 1-based): chr2:219,418,568, C>T. VCF-style: chr2-219418568-C-T. GRCh37 (hg19) VCF-style: chr2-220283290-C-T.
Other names: c.106C>T, p.Pro36Ser (NM_001382708.1, NM_001382709.1, NM_001382710.1 and 3 more transcripts); short protein forms P36S.
Identifiers: ClinVar variation 2073688 (VCV002073688.4), dbSNP rs1954363029, ClinGen allele CA350682940.
Genomic context (GRCh38, chr2:219,418,568, plus strand): 5'-CGCACCTTCGGCGGGGCCCCGGGCTTCCCACTCGGCTCCCCGCTGAGTTCGCCCGTGTTC[C>T]CGCGGGCGGGTTTCGGCTCTAAGGGCTCCTCCAGCTCGGTGACGTCCCGCGTGTACCAGG-3'
Protein context (NP_001918.3, residues 26-46): LGSPLSSPVF[Pro36Ser]RAGFGSKGSS